The following is an entry in ClinVar:

NM_144643.4(SCLT1):c.70A>G (p.Met24Val)

Gene: SCLT1 (sodium channel and clathrin linker 1; minus strand). Cytogenetic location: 4q28.2.
Variant type: single nucleotide variant.
Coding change: c.70A>G on transcript NM_144643.4 (MANE Select); coding-DNA position 70, A replaced by G.
Protein change: p.Met24Val; replaces methionine 24 with valine.
Molecular consequence: missense variant.
Genome position (GRCh38, 1-based): chr4:129,082,338, T>C on the plus strand (A>G on the coding strand, the complement: SCLT1 is on the minus strand). VCF-style: chr4-129082338-T-C. GRCh37 (hg19) VCF-style: chr4-130003493-T-C.
Other names: c.70A>G, p.Met24Val (NM_001300897.2, NM_001300898.2, NM_001410807.1); short protein forms M24V.
Identifiers: ClinVar variation 4985876 (VCV004985876.1).
Genomic context (GRCh38, chr4:129,082,338, plus strand): 5'-TCCCAAGTAGAATTTATAATTTACATACCTGTACAGATGAATATTTGGAAAAACTTTCCA[T>C]TTGATACCGCCTAAAATCTTCATTTAGTCTTCGATCTGAAACAAGCGGGAAAACAGATTT-3'
Protein context (NP_653244.2, residues 14-34): RLNEDFRRYQ[Met24Val]ESFSKYSSVQ

ClinVar aggregate classification (germline): Uncertain significance (1 of 4 stars; one submission).

Conditions:
SCLT1-related disorder. Also called: SCLT1-related condition.

Submission:

PreventionGenetics, part of Exact Sciences
Classification: Uncertain significance for SCLT1-related condition. Last evaluated: 2026-08-20. Review status: criteria provided, single submitter. Criteria: ACMG Guidelines, 2015. Collection method: clinical testing. Allele origin: germline.
Comment: The SCLT1 c.70A>G variant is predicted to result in the amino acid substitution p.Met24Val. To our knowledge, this variant has not been reported in the literature or in a large population database (gnomAD), indicating this variant is rare. At this time, the clinical significance of this variant is uncertain due to the absence of conclusive functional and genetic evidence.